The following is an entry in ClinVar:

ClinVar aggregate classification (germline): Likely benign. Review status: criteria provided, single submitter (1 of 4 stars). 2 submissions from 2 submitters: Likely benign (1). 1 of the submissions does not count toward it. Last evaluated 2026-07-01.

Conditions:
TYMS-related disorder. Also called: TYMS-related condition.

Allele frequency attached by ClinVar (database versions not stated): 1000 Genomes Project 0.00080; 1000 Genomes Project 30x 0.00109; ESP Exome Variant Server 0.00126; TOPMed 0.00406; ExAC 0.01035.
gnomAD v4.1: 7,830 of 1,452,330 alleles (0.54%); highest among the groups gnomAD compares: Non-Finnish European, 0.61%; 41 homozygotes.

Submissions (2):

CeGaT Center for Human Genetics Tuebingen
Classification: Likely benign. Last evaluated: 2026-07-01. Review status: criteria provided, single submitter. Criteria: CeGaT Center For Human Genetics Tuebingen Variant Classification Criteria Version 2. Collection method: clinical testing. Allele origin: germline. Affected: yes. Observed: 3 variant alleles.
Comment: TYMS: PP2, BS2

PreventionGenetics, part of Exact Sciences
Classification: Benign for TYMS-related condition. Last evaluated: 2019-02-21. Review status: no assertion criteria provided. Collection method: clinical testing. Allele origin: germline. Not counted in ClinVar's aggregate classification.
Comment: This variant is classified as benign based on ACMG/AMP sequence variant interpretation guidelines (Richards et al. 2015 PMID: 25741868, with internal and published modifications).

NM_001071.4(TYMS):c.43C>T (p.Pro15Ser)

Genes: TYMS (thymidylate synthetase; plus strand), TYMSOS (TYMS opposite strand RNA; minus strand). Cytogenetic location: 18p11.32.
Variant type: single nucleotide variant.
Coding change: c.43C>T on transcript NM_001071.4 (MANE Select); coding-DNA position 43, C replaced by T.
Protein change: p.Pro15Ser; replaces proline 15 with serine.
Molecular consequence: missense variant.
Genome position (GRCh38, 1-based): chr18:657,785, C>T. VCF-style: chr18-657785-C-T. GRCh37 (hg19) VCF-style: chr18-657785-C-T.
Other names: c.43C>T, p.Pro15Ser (NM_001354867.2, NM_001354868.2); short protein forms P15S.
Identifiers: ClinVar variation 3055385 (VCV003055385.16), dbSNP rs188268314, ClinGen allele CA8867701.